The following is an entry in ClinVar:

ClinVar aggregate classification (germline): Uncertain significance (1 of 4 stars; one submission).

Conditions:
Joubert syndrome. Also called: CEREBELLOPARENCHYMAL DISORDER IV; JOUBERT-BOLTSHAUSER SYNDROME; Familial aplasia of the vermis. Identifiers: Orphanet 475, MedGen C5979921, MONDO:0018772.
Meckel-Gruber syndrome. Also called: DYSENCEPHALIA SPLANCHNOCYSTICA; GRUBER SYNDROME; Dysencephalia splachnocystica. Identifiers: Orphanet 564, MedGen C0265215, MONDO:0018921.

gnomAD v4.1: 2 of 1,614,116 alleles (0.00012%); highest among the groups gnomAD compares: African/African-American, 0.0027%; no homozygotes.

Submission:

Labcorp Genetics (formerly Invitae), Labcorp
Classification: Uncertain significance for Joubert syndrome; Meckel-Gruber syndrome. Last evaluated: 2022-02-03. Review status: criteria provided, single submitter. Criteria: Invitae Variant Classification Sherloc (09022015). Collection method: clinical testing. Allele origin: germline.
Comment: In summary, the available evidence is currently insufficient to determine the role of this variant in disease. Therefore, it has been classified as a Variant of Uncertain Significance. This sequence change replaces aspartic acid, which is acidic and polar, with tyrosine, which is neutral and polar, at codon 53 of the B9D2 protein (p.Asp53Tyr). This variant is not present in population databases (gnomAD no frequency). This variant has not been reported in the literature in individuals affected with B9D2-related conditions. Algorithms developed to predict the effect of missense changes on protein structure and function are either unavailable or do not agree on the potential impact of this missense change (SIFT: "Deleterious"; PolyPhen-2: "Possibly Damaging"; Align-GVGD: "Class C15"). Algorithms developed to predict the effect of sequence changes on RNA splicing suggest that this variant may create or strengthen a splice site.

NM_030578.4(B9D2):c.157G>T (p.Asp53Tyr)

Gene: B9D2 (B9 domain containing 2; minus strand). Cytogenetic location: 19q13.2.
Variant type: single nucleotide variant.
Coding change: c.157G>T on transcript NM_030578.4 (MANE Select); coding-DNA position 157, G replaced by T.
Protein change: p.Asp53Tyr; replaces aspartic acid 53 with tyrosine.
Molecular consequence: missense variant.
Genome position (GRCh38, 1-based): chr19:41,357,954, C>A on the plus strand (G>T on the coding strand, the complement: B9D2 is on the minus strand). VCF-style: chr19-41357954-C-A. GRCh37 (hg19) VCF-style: chr19-41863859-C-A.
Other names: short protein forms D53Y.
Identifiers: ClinVar variation 1351237 (VCV001351237.7), dbSNP rs746928334, ClinGen allele CA406010476.